The following is an entry in ClinVar:

ClinVar aggregate classification (germline): Uncertain significance (1 of 4 stars; one submission).

Conditions:
Focal segmental glomerulosclerosis 5 (FSGS5). Identifiers: Orphanet 656, MedGen C2750475, MONDO:0013191, OMIM 613237.
Charcot-Marie-Tooth disease dominant intermediate E. Also called: CHARCOT-MARIE-TOOTH NEUROPATHY WITH FOCAL SEGMENTAL GLOMERULONEPHRITIS. Identifiers: Orphanet 93114, MedGen C4302667, MONDO:0013758, OMIM 614455.

Submission:

Labcorp Genetics (formerly Invitae), Labcorp
Classification: Uncertain significance for Charcot-Marie-Tooth disease dominant intermediate E; Focal segmental glomerulosclerosis 5. Last evaluated: 2024-05-17. Review status: criteria provided, single submitter. Criteria: Invitae Variant Classification Sherloc (09022015). Collection method: clinical testing. Allele origin: germline.
Comment: This sequence change creates a premature translational stop signal (p.Gln386Serfs*21) in the INF2 gene. It is expected to result in an absent or disrupted protein product. However, the current clinical and genetic evidence is not sufficient to establish whether loss-of-function variants in INF2 cause disease. This variant is not present in population databases (gnomAD no frequency). This variant has not been reported in the literature in individuals affected with INF2-related conditions. In summary, the available evidence is currently insufficient to determine the role of this variant in disease. Therefore, it has been classified as a Variant of Uncertain Significance.

NM_022489.4(INF2):c.1156del (p.Gln386fs)

Gene: INF2 (inverted formin 2; plus strand). Cytogenetic location: 14q32.33.
Variant type: Deletion.
Coding change: c.1156del on transcript NM_022489.4 (MANE Select); coding-DNA position 1156, one base deleted (C; older notation c.1156delC).
Protein change: p.Gln386fs; shifts the reading frame from glutamine 386.
Molecular consequence: frameshift variant. On other transcripts: non-coding transcript variant (1).
Genome position (GRCh38, 1-based): chr14:104,707,423, C deleted; the last of 2 consecutive C bases (chr14:104,707,422-104,707,423); deleting either gives the same sequence. VCF-style (leftmost placement, unchanged base first): chr14-104707421-GC-G. GRCh37 (hg19) VCF-style: chr14-105173758-GC-G.
Other names: c.1156del, p.Gln386fs (NM_001031714.4, NM_001426862.1, NM_001426863.1 and 2 more transcripts); short protein forms Q386fs.
Identifiers: ClinVar variation 3758111 (VCV003758111.2).
Genomic context (GRCh38, chr14:104,707,421, plus strand): 5'-ACCAGAGCCAGAGGGGCAGCTCCCCGCAAAACACTACAACCCCCAAGCCCAGCGTGGAGG[GC>G]CAGCAGCCAGCAGCAGCTGCTGCCTGCGAGCCCGTGGACCACGCCCAGAGTGAGAGCATC-3'